The following is an entry in ClinVar:

NM_001371727.1(GABRB2):c.1059G>A (p.Met353Ile)

Gene: GABRB2 (gamma-aminobutyric acid type A receptor subunit beta2; minus strand). Cytogenetic location: 5q34.
Variant type: single nucleotide variant.
Coding change: c.1059G>A on transcript NM_001371727.1 (MANE Select); coding-DNA position 1059, G replaced by A.
Protein change: p.Met353Ile; replaces methionine 353 with isoleucine.
Molecular consequence: missense variant.
Genome position (GRCh38, 1-based): chr5:161,330,901, C>T on the plus strand (G>A on the coding strand, the complement: GABRB2 is on the minus strand). VCF-style: chr5-161330901-C-T. GRCh37 (hg19) VCF-style: chr5-160757908-C-T.
Other names: c.1059G>A, p.Met353Ile (NM_000813.3, NM_021911.3); short protein forms M353I.
Identifiers: ClinVar variation 1806252 (VCV001806252.1), dbSNP rs2546555443, ClinGen allele CA362174966.

ClinVar aggregate classification (germline): Uncertain significance (1 of 4 stars; one submission).

Conditions:
Developmental and epileptic encephalopathy 92. Also called: EPILEPTIC ENCEPHALOPATHY, INFANTILE OR EARLY CHILDHOOD, 2. Identifiers: MedGen C4693362, MONDO:0020631, OMIM 617829.

Submission:

Victorian Clinical Genetics Services, Murdoch Childrens Research Institute
Classification: Uncertain significance for Developmental and epileptic encephalopathy 92. Last evaluated: 2020-06-11. Review status: criteria provided, single submitter. Criteria: ACMG Guidelines, 2015. Collection method: clinical testing. Allele origin: germline. Inheritance: Autosomal dominant inheritance. Affected: yes.
Comment: Based on the classification scheme VCGS_Germline_v1.1.1, this variant is classified as VUS – 3B. Following criteria are met: 0104 - Dominant Negative is a mechanism of disease for this gene. (N) 0107 - This gene is known to be associated with autosomal dominant disease. (N) 0200 - Variant is predicted to result in a missense amino acid change from methionine to isoleucine. This variant is in exon 9 of the GABRB2 gene. (N) 0251 - Variant is heterozygous. (N) 0301 - Variant is absent from gnomAD. (P) 0502 - Missense variant with conflicting in silico predictions and/or uninformative conservation. (N) 0600 - Variant is located in an annotated domain or motif, (Neurotransmitter-gated ion-channel transmembrane region; PDB). (N) 0705 - No comparable variants have previous evidence for pathogenicity. (N) 0807 - Variant has not previously been reported in a clinical context. (N) 0905 - No segregation evidence has been identified for this variant in the literature. (N) 1007 - No published functional evidence has been identified for this variant. (N) 1208 – Inheritance information for this variant is not currently available. (N) Legend: (P) - Pathogenic, (N) - Neutral, (B) - Benign